The following is an entry in ClinVar:

ClinVar aggregate classification (germline): Uncertain significance. Review status: criteria provided, single submitter (1 of 4 stars). 2 submissions from 2 submitters: Uncertain significance (1). 1 of the submissions does not count toward it.

Conditions:
SERPINF1-related disorder. Also called: SERPINF1-related condition.

Allele frequency attached by ClinVar (database versions not stated): ExAC 0.00025.
gnomAD v4.1: 78 of 1,553,818 alleles (0.005%); highest among the groups gnomAD compares: Middle Eastern, 0.069%; no homozygotes.

Submissions (2):

Breakthrough Genomics
Classification: Uncertain significance. Review status: criteria provided, single submitter. Criteria: ACMG Guidelines, 2015. Collection method: not provided. Allele origin: germline. Inheritance: Autosomal recessive inheritance. Affected: yes.

PreventionGenetics, part of Exact Sciences
Classification: Uncertain significance for SERPINF1-related condition. Last evaluated: 2024-02-21. Review status: no assertion criteria provided. Collection method: clinical testing. Allele origin: germline. Not counted in ClinVar's aggregate classification.
Comment: The SERPINF1 c.77C>G variant is predicted to result in the amino acid substitution p.Pro26Arg. To our knowledge, this variant has not been reported in the literature. This variant is reported in 0.052% of alleles in individuals of South Asian descent in gnomAD. Although we suspect that this variant may be benign, at this time, the clinical significance of this variant is uncertain due to the absence of conclusive functional and genetic evidence.

NM_002615.7(SERPINF1):c.77C>G (p.Pro26Arg)

Gene: SERPINF1 (serpin family F member 1; plus strand). Cytogenetic location: 17p13.3.
Variant type: single nucleotide variant.
Coding change: c.77C>G on transcript NM_002615.7 (MANE Select); coding-DNA position 77, C replaced by G.
Protein change: p.Pro26Arg; replaces proline 26 with arginine.
Molecular consequence: missense variant. On other transcripts: intron variant (1).
Genome position (GRCh38, 1-based): chr17:1,766,987, C>G. VCF-style: chr17-1766987-C-G. GRCh37 (hg19) VCF-style: chr17-1670281-C-G.
Other names: c.77C>G, p.Pro26Arg (NM_001329903.2); c.-477-2865C>G (NM_001329904.2); short protein forms P26R.
Identifiers: ClinVar variation 3030969 (VCV003030969.3), dbSNP rs997267726, ClinGen allele CA8274512.